The following is an entry in ClinVar:

ClinVar aggregate classification (germline): Uncertain significance (1 of 4 stars; one submission).

Conditions:
Spastic paraplegia. Identifiers: MedGen C0037772, HP:0001258.

gnomAD v4.1: 1 of 1,613,768 alleles (0.000062%); highest among the groups gnomAD compares: Non-Finnish European, 0.000085%; no homozygotes.

Submission:

Labcorp Genetics (formerly Invitae), Labcorp
Classification: Uncertain significance for Spastic paraplegia. Last evaluated: 2019-12-12. Review status: criteria provided, single submitter. Criteria: Invitae Variant Classification Sherloc (09022015). Collection method: clinical testing. Allele origin: germline.
Comment: This sequence change replaces arginine with leucine at codon 496 of the RTN2 protein (p.Arg496Leu). The arginine residue is weakly conserved and there is a moderate physicochemical difference between arginine and leucine. This variant is not present in population databases (ExAC no frequency). This variant has not been reported in the literature in individuals with RTN2-related conditions. Algorithms developed to predict the effect of missense changes on protein structure and function are either unavailable or do not agree on the potential impact of this missense change (SIFT: "Tolerated"; PolyPhen-2: "Possibly Damaging"; Align-GVGD: "Class C0"). In summary, the available evidence is currently insufficient to determine the role of this variant in disease. Therefore, it has been classified as a Variant of Uncertain Significance.

NM_005619.5(RTN2):c.1487G>T (p.Arg496Leu)

Genes: OPA3-RTN2 (OPA3-RTN2 readthrough; minus strand), RTN2 (reticulon 2; minus strand). Cytogenetic location: 19q13.32.
Variant type: single nucleotide variant.
Coding change: c.1487G>T on transcript NM_005619.5 (MANE Select); coding-DNA position 1487, G replaced by T.
Protein change: p.Arg496Leu; replaces arginine 496 with leucine.
Molecular consequence: missense variant.
Genome position (GRCh38, 1-based): chr19:45,488,481, C>A on the plus strand (G>T on the coding strand, the complement: RTN2 is on the minus strand). VCF-style: chr19-45488481-C-A. GRCh37 (hg19) VCF-style: chr19-45991739-C-A.
Other names: c.1268G>T, p.Arg423Leu (NM_206900.3); c.467G>T, p.Arg156Leu (NM_206901.3); short protein forms R496L, R423L, R156L.
Identifiers: ClinVar variation 863829 (VCV000863829.1), dbSNP rs752465413, ClinGen allele CA406354389.